The following is an entry in ClinVar:

ClinVar aggregate classification (germline): Uncertain significance. Review status: criteria provided, multiple submitters, no conflicts (2 of 4 stars). 3 submissions from 3 submitters: Uncertain significance (3). Last evaluated 2023-10-25.

Conditions:
Inborn genetic diseases. Identifiers: MedGen C0950123, MeSH D030342.

Allele frequency attached by ClinVar (database versions not stated): TOPMed 0.00002; gnomAD 0.00003; 1000 Genomes Project 30x 0.00031; 1000 Genomes Project 0.00040.
gnomAD v4.1: 26 of 1,614,098 alleles (0.0016%); highest among the groups gnomAD compares: East Asian, 0.058%; no homozygotes.

Submissions (3):

Ambry Genetics
Classification: Uncertain significance for Inborn genetic diseases. Last evaluated: 2023-10-25. Review status: criteria provided, single submitter. Criteria: Ambry Variant Classification Scheme 2023. Collection method: clinical testing. Allele origin: germline.

GeneDx
Classification: Uncertain significance. Last evaluated: 2022-09-09. Review status: criteria provided, single submitter. Criteria: GeneDx Variant Classification Process June 2021. Collection method: clinical testing. Allele origin: germline. Affected: yes.
Comment: In silico analysis supports that this missense variant has a deleterious effect on protein structure/function; Has not been previously published as pathogenic or benign to our knowledge; In silico analysis suggests this variant may impact gene splicing. In the absence of RNA/functional studies, the actual effect of this sequence change is unknown

Blueprint Genetics
Classification: Uncertain significance. Last evaluated: 2022-06-29. Review status: criteria provided, single submitter. Criteria: ACMG Guidelines, 2015. Collection method: clinical testing. Allele origin: germline.

NM_001378183.1(PIEZO2):c.6879C>G (p.His2293Gln)

Gene: PIEZO2 (piezo type mechanosensitive ion channel component 2; minus strand). Cytogenetic location: 18p11.22.
Variant type: single nucleotide variant.
Coding change: c.6879C>G on transcript NM_001378183.1 (MANE Select); coding-DNA position 6879, C replaced by G.
Protein change: p.His2293Gln; replaces histidine 2293 with glutamine.
Molecular consequence: missense variant.
Genome position (GRCh38, 1-based): chr18:10,696,488, G>C on the plus strand (C>G on the coding strand, the complement: PIEZO2 is on the minus strand). VCF-style: chr18-10696488-G-C. GRCh37 (hg19) VCF-style: chr18-10696486-G-C.
Other names: c.6615C>G, p.His2205Gln (NM_001410871.1); c.6540C>G, p.His2180Gln (NM_022068.4); short protein forms H2180Q, H2205Q, H2293Q.
Identifiers: ClinVar variation 2443552 (VCV002443552.3), dbSNP rs549548007, ClinGen allele CA8892151.